The following is an entry in ClinVar:

NM_000051.4(ATM):c.8661T>C (p.His2887=)

Genes: ATM (ATM serine/threonine kinase; plus strand), C11orf65 (chromosome 11 open reading frame 65; minus strand). Cytogenetic location: 11q22.3.
Variant type: single nucleotide variant.
Coding change: c.8661T>C on transcript NM_000051.4 (MANE Select); coding-DNA position 8661, T replaced by C.
Protein change: p.His2887=; no amino-acid change (histidine 2887 retained).
Molecular consequence: synonymous variant. On other transcripts: intron variant (2).
Genome position (GRCh38, 1-based): chr11:108,347,355, T>C. VCF-style: chr11-108347355-T-C. GRCh37 (hg19) VCF-style: chr11-108218082-T-C.
Other names: c.8661T>C, p.His2887= (NM_001351834.2); c.641-38284A>G (NM_001330368.2); c.695-12063A>G (NM_001351110.2).
Identifiers: ClinVar variation 2131338 (VCV002131338.5), dbSNP rs2137085394, ClinGen allele CA476673508.

ClinVar aggregate classification (germline): Benign/Likely benign. Review status: criteria provided, multiple submitters, no conflicts (2 of 4 stars). 3 submissions from 3 submitters: Benign (1); Likely benign (2). Last evaluated 2025-09-28.

Conditions:
Hereditary cancer-predisposing syndrome. Also called: Tumor predisposition; Hereditary Cancer Syndrome; Hereditary neoplastic syndrome; Neoplastic Syndromes, Hereditary. Identifiers: Orphanet 140162, MedGen C0027672, MeSH D009386, MONDO:0015356.
Ataxia-telangiectasia syndrome (AT). Also called: ATAXIA-TELANGIECTASIA, COMPLEMENTATION GROUP A; ATAXIA-TELANGIECTASIA, FRESNO VARIANT; Ataxia-telangiectasia; Ataxia-telangiectasia, complementation group E; LOUIS-BAR SYNDROME; Cerebello-oculocutaneous telangiectasia. Identifiers: Orphanet 100, MedGen C0004135, MONDO:0008840, OMIM 208900.
Familial cancer of breast. Also called: BREAST CANCER, FAMILIAL; hereditary breast carcinoma; Hereditary breast cancer. Identifiers: Orphanet 227535, MedGen C0346153, MONDO:0016419, OMIM 114480. Disease mechanism: loss of function.

Submissions (3):

Ambry Genetics
Classification: Likely benign for Hereditary cancer-predisposing syndrome. Last evaluated: 2025-09-28. Review status: criteria provided, single submitter. Criteria: Ambry Variant Classification Scheme 2023. Collection method: clinical testing. Allele origin: germline.

Myriad Genetics, Inc.
Classification: Benign for Familial cancer of breast. Last evaluated: 2024-06-20. Review status: criteria provided, single submitter. Criteria: Myriad Autosomal Dominant, Autosomal Recessive and X-Linked Classification Criteria (2023). Collection method: clinical testing. Allele origin: unknown.
Comment: This variant is considered benign. This variant is a silent/synonymous amino acid change and it is not expected to impact splicing.

Labcorp Genetics (formerly Invitae), Labcorp
Classification: Likely benign for Ataxia-telangiectasia syndrome. Last evaluated: 2023-06-30. Review status: criteria provided, single submitter. Criteria: Invitae Variant Classification Sherloc (09022015). Collection method: clinical testing. Allele origin: germline.